The following is an entry in ClinVar:

ClinVar aggregate classification (germline): Uncertain significance (1 of 4 stars; one submission).

Submission:

GeneDx
Classification: Uncertain significance. Last evaluated: 2021-04-30. Review status: criteria provided, single submitter. Criteria: GeneDx Variant Classification Process June 2021. Collection method: clinical testing. Allele origin: germline. Affected: yes.
Comment: Not observed in large population cohorts (Lek et al., 2016); In silico analysis, which includes protein predictors and evolutionary conservation, supports a deleterious effect; Has not been previously published as pathogenic or benign to our knowledge

NM_001080517.3(SETD5):c.3177C>G (p.Asn1059Lys)

Gene: SETD5 (SET domain containing 5; plus strand). Cytogenetic location: 3p25.3.
Variant type: single nucleotide variant.
Coding change: c.3177C>G on transcript NM_001080517.3 (MANE Select); coding-DNA position 3177, C replaced by G.
Protein change: p.Asn1059Lys; replaces asparagine 1059 with lysine.
Molecular consequence: missense variant.
Genome position (GRCh38, 1-based): chr3:9,470,911, C>G. VCF-style: chr3-9470911-C-G. GRCh37 (hg19) VCF-style: chr3-9512595-C-G.
Other names: c.2883C>G, p.Asn961Lys (NM_001292043.2, NM_001349451.2); short protein forms N1059K, N961K.
Identifiers: ClinVar variation 1219263 (VCV001219263.3), dbSNP rs2125580617, ClinGen allele CA351682980.